The following is an entry in ClinVar:

NM_020134.4(DPYSL5):c.433A>T (p.Met145Leu)

Gene: DPYSL5 (dihydropyrimidinase like 5; plus strand). Cytogenetic location: 2p23.3.
Variant type: single nucleotide variant.
Coding change: c.433A>T on transcript NM_020134.4 (MANE Select); coding-DNA position 433, A replaced by T.
Protein change: p.Met145Leu; replaces methionine 145 with leucine.
Molecular consequence: missense variant.
Genome position (GRCh38, 1-based): chr2:26,927,265, A>T. VCF-style: chr2-26927265-A-T. GRCh37 (hg19) VCF-style: chr2-27150133-A-T.
Other names: c.433A>T, p.Met145Leu (NM_001253723.2, NM_001253724.2); short protein forms M145L.
Identifiers: ClinVar variation 3372811 (VCV003372811.1).
Genomic context (GRCh38, chr2:26,927,265, plus strand): 5'-CTTGGGTGTCTGCCCTCACGCAGCATTGCCCTTCTACTTGTTCTCCAGGTGAAAGCAGAA[A>T]TGGAGACACTGGTGAGGGAGAAGGGTGTCAACTCGTTCCAGATGTTCATGACCTACAAGG-3'
Protein context (NP_064519.2, residues 135-155): TWWAPKVKAE[Met145Leu]ETLVREKGVN

ClinVar aggregate classification (germline): Uncertain significance (1 of 4 stars; one submission).

Submission:

GeneDx
Classification: Uncertain significance. Last evaluated: 2024-04-19. Review status: criteria provided, single submitter. Criteria: GeneDx Variant Classification Process June 2021. Collection method: clinical testing. Allele origin: germline. Affected: yes.
Comment: In silico analysis indicates that this missense variant does not alter protein structure/function; Has not been previously published as pathogenic or benign to our knowledge